The following is an entry in ClinVar:

ClinVar aggregate classification (germline): Likely benign. Review status: criteria provided, multiple submitters, no conflicts (2 of 4 stars). 5 submissions from 5 submitters: Likely benign (5). Last evaluated 2026-01-13.

Conditions:
Cardiovascular phenotype. Identifiers: MedGen CN230736.
Cardiomyopathy (CMYO). Also called: Cardiomyopathies. Identifiers: Orphanet 167848, MedGen C0878544, MONDO:0004994, HP:0001638. Inheritance: Various modes of inheritance.
Hypertrophic cardiomyopathy. Also called: HYPERTROPHIC MYOCARDIOPATHY. Identifiers: Orphanet 217569, MedGen C0007194, MeSH D002312, MONDO:0005045, HP:0001639.

Allele frequency attached by ClinVar (database versions not stated): gnomAD exomes below 0.00001; gnomAD 0.00001; ExAC 0.00002.
gnomAD v4.1: 28 of 1,613,114 alleles (0.0017%); highest among the groups gnomAD compares: Non-Finnish European, 0.0023%; no homozygotes.

Submissions (5):

Labcorp Genetics (formerly Invitae), Labcorp
Classification: Likely benign for Hypertrophic cardiomyopathy. Last evaluated: 2026-01-13. Review status: criteria provided, single submitter. Criteria: Invitae Variant Classification Sherloc (09022015). Collection method: clinical testing. Allele origin: germline.

All of Us Research Program, National Institutes of Health
Classification: Likely benign for Cardiomyopathy. Last evaluated: 2024-05-30. Review status: criteria provided, single submitter. Criteria: ACMG Guidelines, 2015. Collection method: clinical testing. Allele origin: germline. Inheritance: Autosomal dominant inheritance. Observed: 1 variant allele, 1 heterozygote.
Comment: This study involves interpretation of variants in research participants for the purpose of population health screening. Participant phenotype was not available at the time of variant classification. Additional details can be found in publication PMID: 35346344, PMCID: PMC8962531

Ambry Genetics
Classification: Likely benign for Cardiovascular phenotype. Last evaluated: 2023-05-11. Review status: criteria provided, single submitter. Criteria: Ambry Variant Classification Scheme 2023. Collection method: clinical testing. Allele origin: germline.

Color Diagnostics, LLC DBA Color Health
Classification: Likely benign for Cardiomyopathy. Last evaluated: 2020-08-17. Review status: criteria provided, single submitter. Criteria: ACMG Guidelines, 2015. Collection method: clinical testing. Allele origin: germline.

CeGaT Center for Human Genetics Tuebingen
Classification: Likely benign. Last evaluated: 2018-10-01. Review status: criteria provided, single submitter. Criteria: CeGaT Center For Human Genetics Tuebingen Variant Classification Criteria Version 2. Collection method: clinical testing. Allele origin: germline. Affected: yes. Observed: 1 variant allele.

NM_000257.4(MYH7):c.5062T>C (p.Leu1688=)

Genes: MHRT (myosin heavy chain associated RNA transcript; plus strand), MYH7 (myosin heavy chain 7; minus strand), LOC126861897 (BRD4-independent group 4 enhancer GRCh37_chr14:23884455-23885654; plus strand). Cytogenetic location: 14q11.2.
Variant type: single nucleotide variant.
Coding change: c.5062T>C on transcript NM_000257.4 (MANE Select); coding-DNA position 5062, T replaced by C.
Protein change: p.Leu1688=; no amino-acid change (leucine 1688 retained).
Molecular consequence: synonymous variant. On other transcripts: non-coding transcript variant (1).
Genome position (GRCh38, 1-based): chr14:23,415,724, A>G on the plus strand (T>C on the coding strand, the complement: MYH7 is on the minus strand). VCF-style: chr14-23415724-A-G. GRCh37 (hg19) VCF-style: chr14-23884933-A-G.
Identifiers: ClinVar variation 623837 (VCV000623837.56), dbSNP rs768580382, ClinGen allele CA045163.